The following is an entry in ClinVar:

NM_001354712.2(THRB):c.*361G>A

Gene: THRB (thyroid hormone receptor beta; minus strand). Cytogenetic location: 3p24.2.
Variant type: single nucleotide variant.
Coding change: c.*361G>A on transcript NM_001354712.2 (MANE Select); 361 bases downstream of the stop codon, G replaced by A.
Molecular consequence: 3 prime UTR variant.
Genome position (GRCh38, 1-based): chr3:24,122,523, C>T on the plus strand (G>A on the coding strand, the complement: THRB is on the minus strand). VCF-style: chr3-24122523-C-T. GRCh37 (hg19) VCF-style: chr3-24164014-C-T.
Other names: c.*361G>A (NM_000461.5, NM_001128176.3, NM_001128177.2 and 8 more transcripts).
Identifiers: ClinVar variation 344631 (VCV000344631.5), dbSNP rs111304854, ClinGen allele CA10615545.

ClinVar aggregate classification (germline): Benign (1 of 4 stars; one submission).

Conditions:
Thyroid hormone resistance, generalized, autosomal dominant (GRTHD). Also called: HYPERTHYROXINEMIA, FAMILIAL EUTHYROID, SECONDARY TO PITUITARY AND PERIPHERAL RESISTANCE TO THYROID HORMONES. Identifiers: MedGen C2937288, MONDO:0008569, OMIM 188570.

Allele frequency attached by ClinVar (database versions not stated): 1000 Genomes Project 0.00759; gnomAD exomes 0.00769; 1000 Genomes Project 30x 0.00828; gnomAD 0.01241 and 0.01300; TOPMed 0.01249.
gnomAD v4.1: 3,396 of 345,230 alleles (0.98%); highest among the groups gnomAD compares: Middle Eastern, 2.9%; 33 homozygotes.

Submission:

Illumina Laboratory Services, Illumina
Classification: Benign for Thyroid hormone resistance, generalized, autosomal dominant. Last evaluated: 2018-01-12. Review status: criteria provided, single submitter. Criteria: ICSL Variant Classification Criteria 13 December 2019. Collection method: clinical testing. Allele origin: germline.
Comment: This variant was observed in the ICSL laboratory as part of a predisposition screen in an ostensibly healthy population. It had not been previously curated by ICSL or reported in the Human Gene Mutation Database (HGMD: prior to June 1st, 2018), and was therefore a candidate for classification through an automated scoring system. Utilizing variant allele frequency, disease prevalence and penetrance estimates, and inheritance mode, an automated score was calculated to assess if this variant is too frequent to cause the disease. Based on the score and internal cut-off values, a variant classified as benign is not then subjected to further curation. The score for this variant resulted in a classification of benign for this disease.